The following is an entry in ClinVar:

NM_000138.5(FBN1):c.71G>C (p.Gly24Ala)

Genes: FBN1 (fibrillin 1; minus strand), LOC130057019 (ATAC-STARR-seq lymphoblastoid silent region 6417; plus strand). Cytogenetic location: 15q21.1.
Variant type: single nucleotide variant.
Coding change: c.71G>C on transcript NM_000138.5 (MANE Select); coding-DNA position 71, G replaced by C.
Protein change: p.Gly24Ala; replaces glycine 24 with alanine.
Molecular consequence: missense variant.
Genome position (GRCh38, 1-based): chr15:48,644,699, C>G on the plus strand (G>C on the coding strand, the complement: FBN1 is on the minus strand). VCF-style: chr15-48644699-C-G. GRCh37 (hg19) VCF-style: chr15-48936896-C-G.
Other names: short protein forms G24A.
Identifiers: ClinVar variation 1056518 (VCV001056518.10), dbSNP rs768993489, ClinGen allele CA058005.
Genomic context (GRCh38, chr15:48,644,699, plus strand): 5'-CTCTTGGCCCGACTGGCTCTGGTTTCCTTCACGTTCCCAGCCTCCAAATTGGCGTCCGCC[C>G]CATGGCTCGTGTAGGACGCTAAAAGCACGGTAAATCCCAGGGCGATCTCCAGCAGACGCC-3'
Protein context (NP_000129.3, residues 14-34): TVLLASYTSH[Gly24Ala]ADANLEAGNV

ClinVar aggregate classification (germline): Conflicting classifications of pathogenicity. Review status: criteria provided, conflicting classifications (1 of 4 stars). 2 submissions from 2 submitters: Uncertain significance (1); Likely benign (1). Last evaluated 2025-11-10.

Conditions:
Marfan syndrome (MFS). Also called: FBN1-Related Marfan Syndrome; MARFAN SYNDROME, TYPE I; Marfan syndrome type 1; Marfan's syndrome; Marfan syndrome, classic. Identifiers: Orphanet 284963, Orphanet 558, MedGen C0024796, MONDO:0007947, OMIM 154700.
Familial thoracic aortic aneurysm and aortic dissection (TAAD). Also called: Thoracic aortic aneurysms and dissections. Identifiers: Orphanet 91387, MedGen C4707243, MONDO:0019625.

Allele frequency attached by ClinVar (database versions not stated): gnomAD exomes below 0.00001; ExAC 0.00001.

Submissions (2):

Labcorp Genetics (formerly Invitae), Labcorp
Classification: Likely benign for Marfan syndrome; Familial thoracic aortic aneurysm and aortic dissection. Last evaluated: 2025-11-10. Review status: criteria provided, single submitter. Criteria: Invitae Variant Classification Sherloc (09022015). Collection method: clinical testing. Allele origin: germline.

Color Diagnostics, LLC DBA Color Health
Classification: Uncertain significance for Familial thoracic aortic aneurysm and aortic dissection. Last evaluated: 2025-08-17. Review status: criteria provided, single submitter. Criteria: ACMG Guidelines, 2015. Collection method: clinical testing. Allele origin: germline.
Comment: This missense variant replaces glycine with alanine at codon 24 of the FBN1 protein. Computational prediction suggests that this variant may not impact protein structure and function. To our knowledge, functional studies have not been reported for this variant. This variant has not been reported in individuals affected with FBN1-related disorders in the literature. This variant has been identified in 1/251458 chromosomes in the general population by the Genome Aggregation Database (gnomAD). The available evidence is insufficient to determine the role of this variant in disease conclusively. Therefore, this variant is classified as a Variant of Uncertain Significance.